The following is an entry in ClinVar:

ClinVar aggregate classification (germline): Conflicting classifications of pathogenicity. Review status: criteria provided, conflicting classifications (1 of 4 stars). 3 submissions from 3 submitters: Uncertain significance (2); Likely benign (1). Last evaluated 2025-09-21.

Allele frequency attached by ClinVar (database versions not stated): gnomAD exomes 0.00001 and 0.00002; TOPMed 0.00001; gnomAD 0.00003.
gnomAD v4.1: 14 of 1,613,552 alleles (0.00087%); highest among the groups gnomAD compares: East Asian, 0.0022%; no homozygotes.

Submissions (3):

Labcorp Genetics (formerly Invitae), Labcorp
Classification: Likely benign. Last evaluated: 2025-09-21. Review status: criteria provided, single submitter. Criteria: Invitae Variant Classification Sherloc (09022015). Collection method: clinical testing. Allele origin: germline.

Blueprint Genetics
Classification: Uncertain significance. Last evaluated: 2024-04-12. Review status: criteria provided, single submitter. Criteria: ACMG Guidelines, 2015. Collection method: clinical testing. Allele origin: germline.

GeneDx
Classification: Uncertain significance. Last evaluated: 2020-03-30. Review status: criteria provided, single submitter. Criteria: GeneDx Variant Classification Process June 2021. Collection method: clinical testing. Allele origin: germline. Affected: yes.
Comment: Not observed at a significant frequency in large population cohorts (Lek et al., 2016); In silico analysis supports that this missense variant has a deleterious effect on protein structure/function; Not located in the triple helical region, where the majority of pathogenic missense variants occur; Has not been previously published as pathogenic or benign to our knowledge

NM_001854.4(COL11A1):c.1210G>A (p.Gly404Ser)

Gene: COL11A1 (collagen type XI alpha 1 chain; minus strand). Cytogenetic location: 1p21.1.
Variant type: single nucleotide variant.
Coding change: c.1210G>A on transcript NM_001854.4 (MANE Select); coding-DNA position 1210, G replaced by A.
Protein change: p.Gly404Ser; replaces glycine 404 with serine.
Molecular consequence: missense variant. On other transcripts: non-coding transcript variant (1), intron variant (1).
Genome position (GRCh38, 1-based): chr1:103,022,777, C>T on the plus strand (G>A on the coding strand, the complement: COL11A1 is on the minus strand). VCF-style: chr1-103022777-C-T. GRCh37 (hg19) VCF-style: chr1-103488333-C-T.
Other names: c.1093G>A, p.Gly365Ser (NM_001190709.2); c.1246G>A, p.Gly416Ser (NM_080629.3); c.898-1008G>A (NM_080630.4); short protein forms G365S, G404S, G416S.
Identifiers: ClinVar variation 1191016 (VCV001191016.8), dbSNP rs1156500992, ClinGen allele CA341154283.
Genomic context (GRCh38, chr1:103,022,777, plus strand): 5'-GACACAGTGCATAGTATCAACTTACGCTTGTTTCTGTAATATCAGTTTCTGCTGGTACAC[C>T]TGGACCAAATTCTTCATTAGGGGGGCTTGTTGGTTTATCTTCATATTCTTTATATTCATA-3'
Protein context (NP_001845.3, residues 394-414): TSPPNEEFGP[Gly404Ser]VPAETDITET